The following is an entry in ClinVar:

NM_000548.5(TSC2):c.3947G>C (p.Gly1316Ala)

Gene: TSC2 (TSC complex subunit 2; plus strand). Cytogenetic location: 16p13.3.
Variant type: single nucleotide variant.
Coding change: c.3947G>C on transcript NM_000548.5 (MANE Select); coding-DNA position 3947, G replaced by C.
Protein change: p.Gly1316Ala; replaces glycine 1316 with alanine.
Molecular consequence: missense variant.
Genome position (GRCh38, 1-based): chr16:2,083,758, G>C. VCF-style: chr16-2083758-G-C. GRCh37 (hg19) VCF-style: chr16-2133759-G-C.
Other names: c.3746G>C, p.Gly1249Ala (NM_001077183.3); c.3878G>C, p.Gly1293Ala (NM_001114382.3); c.3638G>C, p.Gly1213Ala (NM_001318827.2); c.3602G>C, p.Gly1201Ala (NM_001318829.2); c.3215G>C, p.Gly1072Ala (NM_001318831.2); c.3779G>C, p.Gly1260Ala (NM_001318832.2); c.3749G>C, p.Gly1250Ala (NM_001363528.2); c.3815G>C, p.Gly1272Ala (NM_001370404.1); and 1 more; short protein forms G1316A, G1249A, G1213A, G1260A, G1272A, G1201A, G1293A, G1072A.
Identifiers: ClinVar variation 468050 (VCV000468050.9), dbSNP rs1555513513, ClinGen allele CA394297385.
Genomic context (GRCh38, chr16:2,083,758, plus strand): 5'-CCGCCGTGGTCATGGAGGAGGGAAGTCCGGGCGAGGTTCCTGTGCTGGTGGAGCCCCCAG[G>C]GTTGGAGGACGTTGAGGCAGCGCTAGGCATGGACAGGCGCACGGATGCCTACAGCAGGGT-3'
Protein context (NP_000539.2, residues 1306-1326): GEVPVLVEPP[Gly1316Ala]LEDVEAALGM

ClinVar aggregate classification (germline): Uncertain significance. Review status: criteria provided, multiple submitters, no conflicts (2 of 4 stars). 3 submissions from 3 submitters: Uncertain significance (3). Last evaluated 2025-03-20.

Conditions:
Hereditary cancer-predisposing syndrome. Also called: Hereditary neoplastic syndrome; Neoplastic Syndromes, Hereditary; Tumor predisposition; Hereditary Cancer Syndrome. Identifiers: Orphanet 140162, MedGen C0027672, MeSH D009386, MONDO:0015356.
Tuberous sclerosis 2 (TSC2). Identifiers: Orphanet 805, MedGen C1860707, MONDO:0013199, OMIM 613254.

Submissions (3):

GeneDx
Classification: Uncertain significance. Last evaluated: 2025-03-20. Review status: criteria provided, single submitter. Criteria: GeneDx Variant Classification Process June 2021. Collection method: clinical testing. Allele origin: germline. Affected: yes.
Comment: Not observed at significant frequency in large population cohorts (gnomAD); In silico analysis indicates that this missense variant does not alter protein structure/function; Has not been previously published as pathogenic or benign to our knowledge; This variant is associated with the following publications: (PMID: 27535533)

Ambry Genetics
Classification: Uncertain significance for Hereditary cancer-predisposing syndrome. Last evaluated: 2024-05-23. Review status: criteria provided, single submitter. Criteria: Ambry Variant Classification Scheme 2023. Collection method: clinical testing. Allele origin: germline.
Comment: The p.G1316A variant (also known as c.3947G>C), located in coding exon 32 of the TSC2 gene, results from a G to C substitution at nucleotide position 3947. The glycine at codon 1316 is replaced by alanine, an amino acid with similar properties. This amino acid position is poorly conserved in available vertebrate species. In addition, the in silico prediction for this alteration is inconclusive. Based on the available evidence, the clinical significance of this variant remains unclear.

Labcorp Genetics (formerly Invitae), Labcorp
Classification: Uncertain significance for Tuberous sclerosis 2. Last evaluated: 2024-04-16. Review status: criteria provided, single submitter. Criteria: Invitae Variant Classification Sherloc (09022015). Collection method: clinical testing. Allele origin: germline.
Comment: This sequence change replaces glycine, which is neutral and non-polar, with alanine, which is neutral and non-polar, at codon 1316 of the TSC2 protein (p.Gly1316Ala). This variant is not present in population databases (gnomAD no frequency). This variant has not been reported in the literature in individuals affected with TSC2-related conditions. ClinVar contains an entry for this variant (Variation ID: 468050). Advanced modeling of protein sequence and biophysical properties (such as structural, functional, and spatial information, amino acid conservation, physicochemical variation, residue mobility, and thermodynamic stability) performed at Invitae indicates that this missense variant is not expected to disrupt TSC2 protein function with a negative predictive value of 95%. In summary, the available evidence is currently insufficient to determine the role of this variant in disease. Therefore, it has been classified as a Variant of Uncertain Significance.